The following is an entry in ClinVar:

ClinVar aggregate classification (germline): Likely benign (1 of 4 stars; one submission).

Allele frequency attached by ClinVar (database versions not stated): 1000 Genomes Project 30x 0.00016.

Submission:

CeGaT Center for Human Genetics Tuebingen
Classification: Likely benign. Last evaluated: 2023-06-01. Review status: criteria provided, single submitter. Criteria: CeGaT Center For Human Genetics Tuebingen Variant Classification Criteria Version 2. Collection method: clinical testing. Allele origin: germline. Affected: yes. Observed: 1 variant allele.
Comment: TPSAB1: BP4, BP7

NM_003294.4(TPSAB1):c.24G>A (p.Ala8=)

Gene: TPSAB1 (tryptase alpha/beta 1; plus strand). Cytogenetic location: 16p13.3.
Variant type: single nucleotide variant.
Coding change: c.24G>A on transcript NM_003294.4 (MANE Select); coding-DNA position 24, G replaced by A.
Protein change: p.Ala8=; no amino-acid change (alanine 8 retained).
Molecular consequence: synonymous variant.
Genome position (GRCh38, 1-based): chr16:1,240,962, G>A. VCF-style: chr16-1240962-G-A. GRCh37 (hg19) VCF-style: chr16-1290963-G-A.
Identifiers: ClinVar variation 2645887 (VCV002645887.24), dbSNP rs769468916, ClinGen allele CA7803670.